The following is an entry in ClinVar:

NM_020821.3(VPS13C):c.4437G>T (p.Met1479Ile)

Gene: VPS13C (vacuolar protein sorting 13 homolog C; minus strand). Cytogenetic location: 15q22.2.
Variant type: single nucleotide variant.
Coding change: c.4437G>T on transcript NM_020821.3 (MANE Select); coding-DNA position 4437, G replaced by T.
Protein change: p.Met1479Ile; replaces methionine 1479 with isoleucine.
Molecular consequence: missense variant.
Genome position (GRCh38, 1-based): chr15:61,951,843, C>A on the plus strand (G>T on the coding strand, the complement: VPS13C is on the minus strand). VCF-style: chr15-61951843-C-A. GRCh37 (hg19) VCF-style: chr15-62244042-C-A.
Other names: c.4437G>T, p.Met1479Ile (NM_001018088.3); c.4308G>T, p.Met1436Ile (NM_017684.5, NM_018080.4); short protein forms M1436I, M1479I.
Identifiers: ClinVar variation 4764084 (VCV004764084.1).

ClinVar aggregate classification (germline): Uncertain significance (1 of 4 stars; one submission).

Submission:

Labcorp Genetics (formerly Invitae), Labcorp
Classification: Uncertain significance. Last evaluated: 2025-03-05. Review status: criteria provided, single submitter. Criteria: Invitae Variant Classification Sherloc (09022015). Collection method: clinical testing. Allele origin: germline.
Comment: This sequence change replaces methionine, which is neutral and non-polar, with isoleucine, which is neutral and non-polar, at codon 1479 of the VPS13C protein (p.Met1479Ile). The frequency data for this variant in the population databases is considered unreliable, as metrics indicate poor data quality at this position in the gnomAD database. This variant has not been reported in the literature in individuals affected with VPS13C-related conditions. Invitae Evidence Modeling of protein sequence and biophysical properties (such as structural, functional, and spatial information, amino acid conservation, physicochemical variation, residue mobility, and thermodynamic stability) indicates that this missense variant is expected to disrupt VPS13C protein function with a positive predictive value of 80%. In summary, the available evidence is currently insufficient to determine the role of this variant in disease. Therefore, it has been classified as a Variant of Uncertain Significance.